The following is an entry in ClinVar:

NM_000548.5(TSC2):c.2814T>C (p.Thr938=)

Gene: TSC2 (TSC complex subunit 2; plus strand). Cytogenetic location: 16p13.3.
Variant type: single nucleotide variant.
Coding change: c.2814T>C on transcript NM_000548.5 (MANE Select); coding-DNA position 2814, T replaced by C.
Protein change: p.Thr938=; no amino-acid change (threonine 938 retained).
Molecular consequence: synonymous variant.
Genome position (GRCh38, 1-based): chr16:2,076,562, T>C. VCF-style: chr16-2076562-T-C. GRCh37 (hg19) VCF-style: chr16-2126563-T-C.
Other names: c.2814T>C (NM_000548.3); c.2814T>C, p.Thr938= (NM_001077183.3, NM_001114382.3, NM_001363528.2 and 3 more transcripts); c.2703T>C, p.Thr901= (NM_001318827.2); c.2667T>C, p.Thr889= (NM_001318829.2); c.2214T>C, p.Thr738= (NM_001318831.2); c.2847T>C, p.Thr949= (NM_001318832.2).
Identifiers: ClinVar variation 1100182 (VCV001100182.13), dbSNP rs950740348, ClinGen allele CA276742124.

ClinVar aggregate classification (germline): Benign/Likely benign. Review status: criteria provided, multiple submitters, no conflicts (2 of 4 stars). 3 submissions from 3 submitters: Benign (1); Likely benign (2). Last evaluated 2025-05-27.

Conditions:
Hereditary cancer-predisposing syndrome. Also called: Neoplastic Syndromes, Hereditary; Hereditary neoplastic syndrome; Hereditary Cancer Syndrome; Tumor predisposition. Identifiers: Orphanet 140162, MedGen C0027672, MeSH D009386, MONDO:0015356.
Tuberous sclerosis 2 (TSC2). Identifiers: Orphanet 805, MedGen C1860707, MONDO:0013199, OMIM 613254.

Allele frequency attached by ClinVar (database versions not stated): gnomAD 0.00001; TOPMed 0.00001.

Submissions (3):

Myriad Genetics, Inc.
Classification: Benign for Tuberous sclerosis 2. Last evaluated: 2025-05-27. Review status: criteria provided, single submitter. Criteria: Myriad Autosomal Dominant, Autosomal Recessive and X-Linked Classification Criteria (2023). Collection method: clinical testing. Allele origin: unknown.
Comment: This variant is considered benign. This variant is a silent/synonymous amino acid change and it is not expected to impact splicing.

Labcorp Genetics (formerly Invitae), Labcorp
Classification: Likely benign for Tuberous sclerosis 2. Last evaluated: 2024-08-27. Review status: criteria provided, single submitter. Criteria: Invitae Variant Classification Sherloc (09022015). Collection method: clinical testing. Allele origin: germline.

Ambry Genetics
Classification: Likely benign for Hereditary cancer-predisposing syndrome. Last evaluated: 2022-11-04. Review status: criteria provided, single submitter. Criteria: Ambry Variant Classification Scheme 2023. Collection method: clinical testing. Allele origin: germline.